The following is an entry in ClinVar:

NM_002184.4(IL6ST):c.89A>G (p.Tyr30Cys)

Gene: IL6ST (interleukin 6 cytokine family signal transducer; minus strand). Cytogenetic location: 5q11.2.
Variant type: single nucleotide variant.
Coding change: c.89A>G on transcript NM_002184.4 (MANE Select); coding-DNA position 89, A replaced by G.
Protein change: p.Tyr30Cys; replaces tyrosine 30 with cysteine.
Molecular consequence: missense variant. On other transcripts: 5 prime UTR variant (3), non-coding transcript variant (2).
Genome position (GRCh38, 1-based): chr5:55,969,831, T>C on the plus strand (A>G on the coding strand, the complement: IL6ST is on the minus strand). VCF-style: chr5-55969831-T-C. GRCh37 (hg19) VCF-style: chr5-55265659-T-C.
Other names: c.89A>G, p.Tyr30Cys (NM_001190981.2, NM_001364275.2, NM_001364276.2 and 1 more transcripts); c.-704A>G (NM_001364277.2, NM_001364279.2); c.-694A>G (NM_001364278.2); short protein forms Y30C.
Identifiers: ClinVar variation 2822593 (VCV002822593.4), dbSNP rs1752858453, ClinGen allele CA359771067.

ClinVar aggregate classification (germline): Uncertain significance. Review status: criteria provided, multiple submitters, no conflicts (2 of 4 stars). 2 submissions from 2 submitters: Uncertain significance (2). Last evaluated 2024-01-15.

Allele frequency attached by ClinVar (database versions not stated): gnomAD exomes below 0.00001.
gnomAD v4.1: 2 of 1,603,924 alleles (0.00012%); highest among the groups gnomAD compares: Non-Finnish European, 0.00017%; no homozygotes.

Submissions (2):

Blueprint Genetics
Classification: Uncertain significance. Last evaluated: 2024-01-15. Review status: criteria provided, single submitter. Criteria: ACMG Guidelines, 2015. Collection method: clinical testing. Allele origin: germline.

Labcorp Genetics (formerly Invitae), Labcorp
Classification: Uncertain significance. Last evaluated: 2022-12-22. Review status: criteria provided, single submitter. Criteria: Invitae Variant Classification Sherloc (09022015). Collection method: clinical testing. Allele origin: germline.
Comment: This sequence change replaces tyrosine, which is neutral and polar, with cysteine, which is neutral and slightly polar, at codon 30 of the IL6ST protein (p.Tyr30Cys). This variant is not present in population databases (gnomAD no frequency). This variant has not been reported in the literature in individuals affected with IL6ST-related conditions. Algorithms developed to predict the effect of missense changes on protein structure and function are either unavailable or do not agree on the potential impact of this missense change (SIFT: "Tolerated"; PolyPhen-2: "Possibly Damaging"; Align-GVGD: "Class C0"). In summary, the available evidence is currently insufficient to determine the role of this variant in disease. Therefore, it has been classified as a Variant of Uncertain Significance.